The following is an entry in ClinVar:

NM_001195518.2(MICU1):c.222del (p.Lys75fs)

Gene: MICU1 (mitochondrial calcium uptake 1; minus strand). Cytogenetic location: 10q22.1.
Variant type: Deletion.
Coding change: c.222del on transcript NM_001195518.2 (MANE Select); coding-DNA position 222, one base deleted (G; older notation c.222delG).
Protein change: p.Lys75fs; shifts the reading frame from lysine 75.
Molecular consequence: frameshift variant. On other transcripts: 5 prime UTR variant (3), non-coding transcript variant (3), intron variant (1).
Genome position (GRCh38, 1-based): chr10:72,563,003, C deleted on the plus strand (G on the coding strand, the reverse complement: MICU1 is on the minus strand); the first of 3 consecutive C bases (chr10:72,563,003-72,563,005); deleting any one gives the same sequence. VCF-style (leftmost placement, unchanged base first): chr10-72563002-TC-T. GRCh37 (hg19) VCF-style: chr10-74322760-TC-T.
Other names: c.222del, p.Lys75fs (NM_001363513.2, NM_001441218.1, NM_001441219.1 and 9 more transcripts); c.123del, p.Lys42fs (NM_001441226.1); c.-528del (NM_001441230.1); c.-484del (NM_001441231.1); c.-348del (NM_001441233.1); c.-3-11662del (NM_001441228.1); c.222delG (NM_006077.4); short protein forms K42fs, K75fs.
Identifiers: ClinVar variation 4850346 (VCV004850346.1).
Genomic context (GRCh38, chr10:72,563,002, plus strand): 5'-GAGGGGCAAGATCTGCAGTCTTTTTCTCATGGTTACAAACATCCCCTTCATCTTTATTCT[TC>T]CCTTTATCACCGATGTCACTTTTTAGGTTGTCTACACATGGTGGAGATTCTGCATGGGCC-3'

ClinVar aggregate classification (germline): Likely pathogenic (1 of 4 stars; one submission).

Conditions:
Proximal myopathy with extrapyramidal signs. Also called: Myopathy with extrapyramidal signs. Identifiers: Orphanet 401768, MedGen C3810285, MONDO:0014300, OMIM 615673.

Submission:

First Genomix Gene Laboratory, Genetic Diagnostics Department
Classification: Likely pathogenic for Proximal myopathy with extrapyramidal signs. Last evaluated: 2025-09-18. Review status: criteria provided, single submitter. Criteria: ACMG Guidelines, 2015. Collection method: clinical testing. Allele origin: germline. Inheritance: Autosomal recessive inheritance. Affected: no. Observed: 1 variant allele.